The following is an entry in ClinVar:

ClinVar aggregate classification (germline): Benign/Likely benign. Review status: criteria provided, multiple submitters, no conflicts (2 of 4 stars). 4 submissions from 4 submitters: Benign (2); Likely benign (2). Last evaluated 2026-01-23.

Conditions:
KIF11-related disorder. Also called: KIF11-related condition.
Inborn genetic diseases. Identifiers: MedGen C0950123, MeSH D030342.

Allele frequency attached by ClinVar (database versions not stated): gnomAD 0.00001; gnomAD exomes 0.00002 and 0.00008; ExAC 0.00007; TOPMed 0.00007.
gnomAD v4.1: 28 of 1,597,338 alleles (0.0018%); highest among the groups gnomAD compares: Admixed American, 0.042%; 1 homozygote.

Submissions (4):

Labcorp Genetics (formerly Invitae), Labcorp
Classification: Benign. Last evaluated: 2026-01-23. Review status: criteria provided, single submitter. Criteria: Invitae Variant Classification Sherloc (09022015). Collection method: clinical testing. Allele origin: germline.

Ambry Genetics
Classification: Likely benign for Inborn genetic diseases. Last evaluated: 2025-08-22. Review status: criteria provided, single submitter. Criteria: Ambry Variant Classification Scheme 2023. Collection method: clinical testing. Allele origin: germline.

PreventionGenetics, part of Exact Sciences
Classification: Likely benign for KIF11-related condition. Last evaluated: 2024-12-04. Review status: criteria provided, single submitter. Criteria: ACMG Guidelines, 2015. Collection method: clinical testing. Allele origin: germline.
Comment: This variant is classified as likely benign based on ACMG/AMP sequence variant interpretation guidelines (Richards et al. 2015 PMID: 25741868, with internal and published modifications).

Blueprint Genetics
Classification: Benign. Last evaluated: 2021-09-24. Review status: criteria provided, single submitter. Criteria: ACMG Guidelines, 2015. Collection method: clinical testing. Allele origin: germline.

NM_004523.4(KIF11):c.1816A>G (p.Met606Val)

Gene: KIF11 (kinesin family member 11; plus strand). Cytogenetic location: 10q23.33.
Variant type: single nucleotide variant.
Coding change: c.1816A>G on transcript NM_004523.4 (MANE Select); coding-DNA position 1816, A replaced by G.
Protein change: p.Met606Val; replaces methionine 606 with valine.
Molecular consequence: missense variant.
Genome position (GRCh38, 1-based): chr10:92,633,736, A>G. VCF-style: chr10-92633736-A-G. GRCh37 (hg19) VCF-style: chr10-94393493-A-G.
Other names: short protein forms M606V.
Identifiers: ClinVar variation 954837 (VCV000954837.12), dbSNP rs201103455, ClinGen allele CA5604268.